The following is an entry in ClinVar:

NM_001134363.3(RBM20):c.3424G>T (p.Val1142Leu)

Gene: RBM20 (RNA binding motif protein 20; plus strand). Cytogenetic location: 10q25.2.
Variant type: single nucleotide variant.
Coding change: c.3424G>T on transcript NM_001134363.3 (MANE Select); coding-DNA position 3424, G replaced by T.
Protein change: p.Val1142Leu; replaces valine 1142 with leucine.
Molecular consequence: missense variant.
Genome position (GRCh38, 1-based): chr10:110,823,587, G>T. VCF-style: chr10-110823587-G-T. GRCh37 (hg19) VCF-style: chr10-112583345-G-T.
Other names: short protein forms V1142L.
Identifiers: ClinVar variation 2701722 (VCV002701722.3), dbSNP rs1057519239, ClinGen allele CA378384270.

ClinVar aggregate classification (germline): Uncertain significance (1 of 4 stars; one submission).

Conditions:
Dilated cardiomyopathy 1DD (CMD1DD). Identifiers: Orphanet 154, MedGen C2750995, MONDO:0013168, OMIM 613172.

Submission:

Labcorp Genetics (formerly Invitae), Labcorp
Classification: Uncertain significance for Dilated cardiomyopathy 1DD. Last evaluated: 2024-10-15. Review status: criteria provided, single submitter. Criteria: Invitae Variant Classification Sherloc (09022015). Collection method: clinical testing. Allele origin: germline.
Comment: This sequence change replaces valine, which is neutral and non-polar, with leucine, which is neutral and non-polar, at codon 1142 of the RBM20 protein (p.Val1142Leu). This variant is not present in population databases (gnomAD no frequency). This variant has not been reported in the literature in individuals affected with RBM20-related conditions. Invitae Evidence Modeling of protein sequence and biophysical properties (such as structural, functional, and spatial information, amino acid conservation, physicochemical variation, residue mobility, and thermodynamic stability) indicates that this missense variant is not expected to disrupt RBM20 protein function with a negative predictive value of 95%. In summary, the available evidence is currently insufficient to determine the role of this variant in disease. Therefore, it has been classified as a Variant of Uncertain Significance.